The following is an entry in ClinVar:

ClinVar aggregate classification (germline): Likely benign. Review status: criteria provided, single submitter (1 of 4 stars). 2 submissions from 2 submitters: Likely benign (1). 1 of the submissions does not count toward it. Last evaluated 2025-12-01.

Conditions:
Congenital disorder of glycosylation type Ir (CDG1R). Also called: DDOST-congenital disorder of glycosylation. Identifiers: Orphanet 300536, MedGen C3281084, MONDO:0013789, OMIM 614507.
DDOST-related disorder. Also called: DDOST-related condition.

Allele frequency attached by ClinVar (database versions not stated): ExAC 0.00002; gnomAD exomes 0.00003 and 0.00005; gnomAD 0.00004; ESP Exome Variant Server 0.00008; TOPMed 0.00008.
gnomAD v4.1: 54 of 1,613,958 alleles (0.0033%); highest among the groups gnomAD compares: Admixed American, 0.022%; no homozygotes.

Submissions (2):

Labcorp Genetics (formerly Invitae), Labcorp
Classification: Likely benign for Congenital disorder of glycosylation type Ir. Last evaluated: 2025-12-01. Review status: criteria provided, single submitter. Criteria: Invitae Variant Classification Sherloc (09022015). Collection method: clinical testing. Allele origin: germline.

PreventionGenetics, part of Exact Sciences
Classification: Likely benign for DDOST-related condition. Last evaluated: 2019-10-14. Review status: no assertion criteria provided. Collection method: clinical testing. Allele origin: germline. Not counted in ClinVar's aggregate classification.
Comment: This variant is classified as likely benign based on ACMG/AMP sequence variant interpretation guidelines (Richards et al. 2015 PMID: 25741868, with internal and published modifications).

NM_005216.5(DDOST):c.1236C>T (p.Tyr412=)

Gene: DDOST (dolichyl-diphosphooligosaccharide--protein glycosyltransferase non-catalytic subunit; minus strand). Cytogenetic location: 1p36.12.
Variant type: single nucleotide variant.
Coding change: c.1236C>T on transcript NM_005216.5 (MANE Select); coding-DNA position 1236, C replaced by T.
Protein change: p.Tyr412=; no amino-acid change (tyrosine 412 retained).
Molecular consequence: synonymous variant.
Genome position (GRCh38, 1-based): chr1:20,652,463, G>A on the plus strand (C>T on the coding strand, the complement: DDOST is on the minus strand). VCF-style: chr1-20652463-G-A. GRCh37 (hg19) VCF-style: chr1-20978956-G-A.
Identifiers: ClinVar variation 788330 (VCV000788330.9), dbSNP rs376894317, ClinGen allele CA660980.